The following is an entry in ClinVar:

NM_032776.3(JMJD1C):c.1523G>A (p.Cys508Tyr)

Gene: JMJD1C (jumonji domain containing 1C; minus strand). Cytogenetic location: 10q21.3.
Variant type: single nucleotide variant.
Coding change: c.1523G>A on transcript NM_032776.3 (MANE Select); coding-DNA position 1523, G replaced by A.
Protein change: p.Cys508Tyr; replaces cysteine 508 with tyrosine.
Molecular consequence: missense variant. On other transcripts: non-coding transcript variant (1).
Genome position (GRCh38, 1-based): chr10:63,214,644, C>T on the plus strand (G>A on the coding strand, the complement: JMJD1C is on the minus strand). VCF-style: chr10-63214644-C-T. GRCh37 (hg19) VCF-style: chr10-64974404-C-T.
Other names: c.977G>A, p.Cys326Tyr (NM_001282948.2, NM_001318154.2); c.659G>A, p.Cys220Tyr (NM_001318153.2); c.1409G>A, p.Cys470Tyr (NM_001322252.2); c.866G>A, p.Cys289Tyr (NM_001322254.2, NM_001322258.2); short protein forms C220Y, C289Y, C326Y, C470Y, C508Y.
Identifiers: ClinVar variation 1057571 (VCV001057571.9), dbSNP rs1305916162, ClinGen allele CA377048940.

ClinVar aggregate classification (germline): Uncertain significance (1 of 4 stars; one submission).

Conditions:
Early Myoclonic Encephalopathy. Identifiers: MedGen C0270855.

Allele frequency attached by ClinVar (database versions not stated): TOPMed below 0.00001; gnomAD exomes below 0.00001.
gnomAD v4.1: 2 of 1,614,094 alleles (0.00012%); highest among the groups gnomAD compares: Admixed American, 0.0017%; no homozygotes.

Submission:

Labcorp Genetics (formerly Invitae), Labcorp
Classification: Uncertain significance for Early Myoclonic Encephalopathy. Last evaluated: 2020-04-08. Review status: criteria provided, single submitter. Criteria: Invitae Variant Classification Sherloc (09022015). Collection method: clinical testing. Allele origin: germline.
Comment: This variant has not been reported in the literature in individuals with JMJD1C-related conditions. This variant is not present in population databases (ExAC no frequency). This sequence change replaces cysteine with tyrosine at codon 508 of the JMJD1C protein (p.Cys508Tyr). The cysteine residue is moderately conserved and there is a large physicochemical difference between cysteine and tyrosine. In summary, the available evidence is currently insufficient to determine the role of this variant in disease. Therefore, it has been classified as a Variant of Uncertain Significance. Algorithms developed to predict the effect of missense changes on protein structure and function (SIFT, PolyPhen-2, Align-GVGD) all suggest that this variant is likely to be tolerated, but these predictions have not been confirmed by published functional studies and their clinical significance is uncertain.